The following is an entry in ClinVar:

ClinVar aggregate classification (germline): Benign/Likely benign. Review status: criteria provided, multiple submitters, no conflicts (2 of 4 stars). 8 submissions from 7 submitters: Benign (5); Likely benign (3). Last evaluated 2026-01-20.

Conditions:
Ehlers-Danlos syndrome, classic type, 1 (EDSCL1). Also called: Ehlers-Danlos syndrome, type 1; Ehlers-Danlos Syndrome, Classic Type, COL5A1-Related; EDS I; EHLERS-DANLOS SYNDROME, GRAVIS TYPE; EHLERS-DANLOS SYNDROME, SEVERE CLASSIC TYPE. Identifiers: MedGen C0268335, MONDO:0019567, OMIM 130000.
Fibromuscular dysplasia, multifocal. Identifiers: MedGen C5543412, MONDO:0859151, OMIM 619329.
Familial thoracic aortic aneurysm and aortic dissection (TAAD). Also called: Thoracic aortic aneurysms and dissections. Identifiers: Orphanet 91387, MedGen C4707243, MONDO:0019625.

Allele frequency attached by ClinVar (database versions not stated): gnomAD exomes 0.00039; ExAC 0.00048; gnomAD 0.00120 and 0.00129; ESP Exome Variant Server 0.00123; TOPMed 0.00147; 1000 Genomes Project 30x 0.00156; 1000 Genomes Project 0.00160.
gnomAD v4.1: 434 of 1,613,536 alleles (0.027%); highest among the groups gnomAD compares: African/African-American, 0.43%; 1 homozygote.

Submissions (8):

Labcorp Genetics (formerly Invitae), Labcorp
Classification: Benign for Ehlers-Danlos syndrome, classic type, 1. Last evaluated: 2026-01-20. Review status: criteria provided, single submitter. Criteria: Invitae Variant Classification Sherloc (09022015). Collection method: clinical testing. Allele origin: germline.

Molecular Diagnostic Laboratory for Inherited Cardiovascular Disease, Montreal Heart Institute
Classification: Likely benign. Last evaluated: 2025-07-24. Review status: criteria provided, single submitter. Criteria: ACMG Guidelines, 2015. Collection method: clinical testing. Allele origin: germline. Affected: no.
Comment: BS1, BP7

Blueprint Genetics
Classification: Likely benign. Last evaluated: 2024-05-21. Review status: criteria provided, single submitter. Criteria: ACMG Guidelines, 2015. Collection method: clinical testing. Allele origin: germline.

Women's Health and Genetics/Laboratory Corporation of America, LabCorp
Classification: Benign. Last evaluated: 2023-07-21. Review status: criteria provided, single submitter. Criteria: LabCorp Variant Classification Summary - May 2015. Collection method: clinical testing. Allele origin: germline.

Genome-Nilou Lab
Classification: Benign for Ehlers-Danlos syndrome, classic type, 1. Last evaluated: 2022-03-15. Review status: criteria provided, single submitter. Criteria: ACMG Guidelines, 2015. Collection method: clinical testing. Allele origin: germline. Affected: no.

Genome-Nilou Lab
Classification: Benign for Fibromuscular dysplasia, multifocal. Last evaluated: 2022-03-15. Review status: criteria provided, single submitter. Criteria: ACMG Guidelines, 2015. Collection method: clinical testing. Allele origin: germline. Affected: no.

Ambry Genetics
Classification: Likely benign for Familial thoracic aortic aneurysm and aortic dissection. Last evaluated: 2016-04-21. Review status: criteria provided, single submitter. Criteria: Ambry Variant Classification Scheme 2023. Collection method: clinical testing. Allele origin: germline.

GeneDx
Classification: Benign. Last evaluated: 2014-02-09. Review status: criteria provided, single submitter. Criteria: GeneDx Variant Classification (06012015). Collection method: clinical testing. Allele origin: germline. Affected: yes.
Comment: This variant is considered likely benign or benign based on one or more of the following criteria: it is a conservative change, it occurs at a poorly conserved position in the protein, it is predicted to be benign by multiple in silico algorithms, and/or has population frequency not consistent with disease.

NM_000093.5(COL5A1):c.1539C>T (p.Pro513=)

Gene: COL5A1 (collagen type V alpha 1 chain; plus strand). Cytogenetic location: 9q34.3.
Variant type: single nucleotide variant.
Coding change: c.1539C>T on transcript NM_000093.5 (MANE Select); coding-DNA position 1539, C replaced by T.
Protein change: p.Pro513=; no amino-acid change (proline 513 retained).
Molecular consequence: synonymous variant.
Genome position (GRCh38, 1-based): chr9:134,750,586, C>T. VCF-style: chr9-134750586-C-T. GRCh37 (hg19) VCF-style: chr9-137642432-C-T.
Other names: p.P513P:CCC>CCT; c.1539C>T, p.Pro513= (NM_001278074.1).
Identifiers: ClinVar variation 136859 (VCV000136859.20), dbSNP rs151173863, ClinGen allele CA290223.